The following is an entry in ClinVar:

ClinVar aggregate classification (germline): Uncertain significance (1 of 4 stars; one submission).

Submission:

Women's Health and Genetics/Laboratory Corporation of America, LabCorp
Classification: Uncertain significance. Last evaluated: 2017-11-06. Review status: criteria provided, single submitter. Criteria: LabCorp Variant Classification Summary - May 2015. Collection method: clinical testing. Allele origin: germline.
Comment: Variant summary: The LIG3 c.2200G>C (p.Asp734His) variant involves the alteration of a conserved nucleotide. 4/4 in silico tools predict a damaging outcome for this variant (SNPsandGO not captured due to low reliability index). This variant is absent in 215014 control chromosomes. The variant of interest has not, to our knowledge, been reported in affected individuals via publications and/or reputable databases/clinical diagnostic laboratories; nor evaluated for functional impact by in vivo/vitro studies. Because of the absence of clinical information and the lack of functional studies, the variant is classified as a variant of uncertain significance (VUS) until additional information becomes available.

NM_013975.4(LIG3):c.2200G>C (p.Asp734His)

Gene: LIG3 (DNA ligase 3; plus strand). Cytogenetic location: 17q12.
Variant type: single nucleotide variant.
Coding change: c.2200G>C on transcript NM_013975.4 (MANE Select); coding-DNA position 2200, G replaced by C.
Protein change: p.Asp734His; replaces aspartic acid 734 with histidine.
Molecular consequence: missense variant.
Genome position (GRCh38, 1-based): chr17:34,999,393, G>C. VCF-style: chr17-34999393-G-C. GRCh37 (hg19) VCF-style: chr17-33326412-G-C.
Other names: c.2200G>C, p.Asp734His (NM_002311.5); short protein forms D734H.
Identifiers: ClinVar variation 632875 (VCV000632875.1), dbSNP rs1567693216, ClinGen allele CA399083869.